The following is an entry in ClinVar:

ClinVar aggregate classification (germline): Likely pathogenic (1 of 4 stars; one submission).

Conditions:
Bloom syndrome (BLM). Also called: Bloom-Torre-Machacek syndrome. Identifiers: Orphanet 125, MedGen C0005859, MONDO:0008876, OMIM 210900.

Submission:

Natera, Inc.
Classification: Likely pathogenic for Bloom syndrome. Last evaluated: 2025-11-12. Review status: criteria provided, single submitter. Criteria: Natera Variant Classification Schema (03/2026). Collection method: clinical testing. Allele origin: germline.
Comment: The c.2703T>A variant in BLM is a nonsense variant predicted to introduce a stop codon at amino acid 901. This variant is expected to result in nonsense mediated decay, truncation, or a dysfunctional protein product. This variant is rare in the general population with a frequency below the threshold expected for the associated phenotype(s). Given the available evidence, this variant is classified as Likely Pathogenic.

NM_000057.4(BLM):c.2703T>A (p.Cys901Ter)

Gene: BLM (BLM RecQ like helicase; plus strand). Cytogenetic location: 15q26.1.
Variant type: single nucleotide variant.
Coding change: c.2703T>A on transcript NM_000057.4 (MANE Select); coding-DNA position 2703, T replaced by A.
Protein change: p.Cys901Ter; replaces cysteine 901 with a stop codon.
Molecular consequence: nonsense.
Genome position (GRCh38, 1-based): chr15:90,784,961, T>A. VCF-style: chr15-90784961-T-A. GRCh37 (hg19) VCF-style: chr15-91328191-T-A.
Other names: c.2703T>A, p.Cys901Ter (NM_001287246.2, NM_001287247.2); c.1578T>A, p.Cys526Ter (NM_001287248.2); short protein forms C526*, C901*.
Identifiers: ClinVar variation 4815806 (VCV004815806.1).
Genomic context (GRCh38, chr15:90,784,961, plus strand): 5'-TACTCTTGGTTTCTTGGCAGATGATTCAGGGATAATTTACTGCCTCTCCAGGCGAGAATG[T>A]GACACCATGGCTGACACGTTACAGAGAGATGGGCTCGCTGCTCTTGCTTACCATGCTGGC-3'